The following is an entry in ClinVar:

NM_000059.4(BRCA2):c.2176del (p.Val726fs)

Gene: BRCA2 (BRCA2 DNA repair associated; plus strand). Cytogenetic location: 13q13.1.
Variant type: Deletion.
Coding change: c.2176del on transcript NM_000059.4 (MANE Select); coding-DNA position 2176, one base deleted (G; older notation c.2176delG).
Protein change: p.Val726fs; shifts the reading frame from valine 726.
Molecular consequence: frameshift variant.
Genome position (GRCh38, 1-based): chr13:32,336,531, G deleted. VCF-style (leftmost placement, unchanged base first): chr13-32336530-AG-A. GRCh37 (hg19) VCF-style: chr13-32910667-AG-A.
Other names: c.2176delG (NM_000059.3); short protein forms V726fs.
Identifiers: ClinVar variation 495437 (VCV000495437.14), dbSNP rs1555282499, ClinGen allele CA658683818.

ClinVar aggregate classification (germline): Pathogenic/Likely pathogenic. Review status: criteria provided, multiple submitters, no conflicts (2 of 4 stars). 3 submissions from 3 submitters: Pathogenic (2); Likely pathogenic (1). Last evaluated 2025-06-16.

Conditions:
Hereditary breast ovarian cancer syndrome. Also called: Hereditary breast and/or ovarian cancer syndrome; BRCA1- and BRCA2-Associated Hereditary Breast and Ovarian Cancer; Breast and ovarian cancer; Hereditary breast and ovarian cancer; Hereditary breast and ovarian cancer syndrome; Hereditary breast and ovarian cancer syndrome (HBOC). Identifiers: Orphanet 145, MedGen C0677776, MeSH D061325, MONDO:0003582. Disease mechanism: loss of function.
Hereditary cancer-predisposing syndrome. Also called: Hereditary neoplastic syndrome; Tumor predisposition; Hereditary Cancer Syndrome; Neoplastic Syndromes, Hereditary. Identifiers: Orphanet 140162, MedGen C0027672, MeSH D009386, MONDO:0015356.

Submissions (3):

Labcorp Genetics (formerly Invitae), Labcorp
Classification: Pathogenic for Hereditary breast ovarian cancer syndrome. Last evaluated: 2025-06-16. Review status: criteria provided, single submitter. Criteria: Invitae Variant Classification Sherloc (09022015). Collection method: clinical testing. Allele origin: germline.
Comment: This sequence change creates a premature translational stop signal (p.Val726Phefs*4) in the BRCA2 gene. It is expected to result in an absent or disrupted protein product. Loss-of-function variants in BRCA2 are known to be pathogenic (PMID: 20104584). This variant is not present in population databases (gnomAD no frequency). This premature translational stop signal has been observed in individual(s) with personal and family history of breast and/or ovarian cancer (PMID: 28294317). ClinVar contains an entry for this variant (Variation ID: 495437). For these reasons, this variant has been classified as Pathogenic.

Ambry Genetics
Classification: Pathogenic for Hereditary cancer-predisposing syndrome. Last evaluated: 2025-06-06. Review status: criteria provided, single submitter. Criteria: Ambry Variant Classification Scheme 2023. Collection method: clinical testing. Allele origin: germline.
Comment: The c.2176delG pathogenic mutation, located in coding exon 10 of the BRCA2 gene, results from a deletion of one nucleotide at nucleotide position 2176, causing a translational frameshift with a predicted alternate stop codon (p.V726Ffs*4). This variant was observed in an individual undergoing BRCA1/2 genetic testing based on personal and/or family history of breast and/or ovarian cancer (Lang GT et al. Int J Cancer, 2017 Jul;141:129-142). This variant is considered to be rare based on population cohorts in the Genome Aggregation Database (gnomAD). This alteration is expected to result in loss of function by premature protein truncation or nonsense-mediated mRNA decay. As such, this alteration is interpreted as a disease-causing mutation.

Women's Health and Genetics/Laboratory Corporation of America, LabCorp
Classification: Likely pathogenic for Hereditary breast ovarian cancer syndrome. Last evaluated: 2016-08-11. Review status: criteria provided, single submitter. Criteria: LabCorp Variant Classification Summary - May 2015. Collection method: clinical testing. Allele origin: germline.
Comment: Variant summary: The BRCA2 c.2176delG (p.Val726Phefs) variant results in a premature termination codon, predicted to cause a truncated or absent BRCA2 protein due to nonsense mediated decay, which are commonly known mechanisms for disease. Truncations downstream of this position have been classified as pathogenic by our laboratory (e.g. c.2212dupT (p.Cys738fs), c.2287delC (p.His763fs), and c.2330dupA (p.Asp777fs)). The variant of interest has not been reported in controls (ExAC, 1000 Gs, or ESP), nor has it been, to our knowledge, reported in affected individuals via publications. One reputable database cites the variant with a classification of "Causal." Therefore, the variant of interest has been classified as Likely Pathogenic until additional information becomes available.

Literature cited by the submitters: PubMed 20104584 (cited by Labcorp Genetics (formerly Invitae), Labcorp); PubMed 28294317 (cited by Labcorp Genetics (formerly Invitae), Labcorp and Ambry Genetics).